The following is an entry in ClinVar:

ClinVar aggregate classification (germline): Uncertain significance (1 of 4 stars; one submission).

Conditions:
Capillary malformation-arteriovenous malformation syndrome. Also called: Capillary malformation-arteriovenous malformation. Identifiers: Orphanet 137667, MedGen C1842180, MONDO:0012016.

Submission:

Labcorp Genetics (formerly Invitae), Labcorp
Classification: Uncertain significance for Capillary malformation-arteriovenous malformation syndrome. Last evaluated: 2018-05-24. Review status: criteria provided, single submitter. Criteria: Invitae Variant Classification Sherloc (09022015). Collection method: clinical testing. Allele origin: germline.
Comment: In summary, the available evidence is currently insufficient to determine the role of this variant in disease. Therefore, it has been classified as a Variant of Uncertain Significance. Nucleotide substitutions within the consensus splice site are a relatively common cause of aberrant splicing (PMID: 17576681, 9536098). Algorithms developed to predict the effect of sequence changes on RNA splicing suggest that this variant is not likely to affect RNA splicing, but this prediction has not been confirmed by published transcriptional studies. This variant has not been reported in the literature in individuals with RASA1-related disease. This variant is not present in population databases (ExAC no frequency). This sequence change falls in intron 1 of the RASA1 gene. It does not directly change the encoded amino acid sequence of the RASA1 protein, but it affects a nucleotide within the consensus splice site of the intron.

Literature cited by the submitters: PubMed 17576681; PubMed 9536098.

NM_002890.3(RASA1):c.539+3A>G

Gene: RASA1 (RAS p21 protein activator 1; plus strand). Cytogenetic location: 5q14.3.
Variant type: single nucleotide variant.
Coding change: c.539+3A>G on transcript NM_002890.3 (MANE Select); 3 bases into the intron after coding-DNA position 539, A replaced by G.
Molecular consequence: intron variant. On other transcripts: 5 prime UTR variant (1).
Genome position (GRCh38, 1-based): chr5:87,268,993, A>G. VCF-style: chr5-87268993-A-G. GRCh37 (hg19) VCF-style: chr5-86564810-A-G.
Other names: c.-55A>G (NM_022650.3).
Identifiers: ClinVar variation 574927 (VCV000574927.8), dbSNP rs1561245221, ClinGen allele CA891843297.